The following is an entry in ClinVar:

ClinVar aggregate classification (germline): Conflicting classifications of pathogenicity. Review status: criteria provided, conflicting classifications (1 of 4 stars). 2 submissions from 2 submitters: Uncertain significance (1); Likely benign (1). Last evaluated 2024-09-20.

Conditions:
Congenital defect of folate absorption. Also called: Hereditary Folate Malabsorption. Identifiers: Orphanet 90045, MedGen C0342705, MONDO:0009238, OMIM 229050.

Allele frequency attached by ClinVar (database versions not stated): gnomAD 0.00002; gnomAD exomes 0.00002 and 0.00006; ExAC 0.00003; TOPMed 0.00005; 1000 Genomes Project 30x 0.00016; 1000 Genomes Project 0.00020.
gnomAD v4.1: 29 of 1,603,440 alleles (0.0018%); highest among the groups gnomAD compares: Middle Eastern, 0.017%; no homozygotes.

Submissions (2):

3billion
Classification: Likely benign for Congenital defect of folate absorption. Last evaluated: 2024-09-20. Review status: criteria provided, single submitter. Criteria: ACMG Guidelines, 2015. Collection method: clinical testing. Allele origin: germline. Affected: no.
Comment: The homozygous variant was found in patients diagnosed with another variant in a different gene, with no symptoms related to the gene containing the homozygous variant.

Labcorp Genetics (formerly Invitae), Labcorp
Classification: Uncertain significance. Last evaluated: 2022-08-31. Review status: criteria provided, single submitter. Criteria: Invitae Variant Classification Sherloc (09022015). Collection method: clinical testing. Allele origin: germline.
Comment: This sequence change replaces threonine with methionine at codon 405 of the SLC46A1 protein (p.Thr405Met). The threonine residue is weakly conserved and there is a moderate physicochemical difference between threonine and methionine. This variant is present in population databases (rs541069777, gnomAD 0.02%). This variant has not been reported in the literature in individuals affected with SLC46A1-related conditions. ClinVar contains an entry for this variant (Variation ID: 1489802). Experimental studies and prediction algorithms are not available or were not evaluated, and the functional significance of this variant is currently unknown. In summary, the available evidence is currently insufficient to determine the role of this variant in disease. Therefore, it has been classified as a Variant of Uncertain Significance.

NM_080669.6(SLC46A1):c.1214C>T (p.Thr405Met)

Genes: SARM1 (sterile alpha and TIR motif containing 1; plus strand), SLC46A1 (solute carrier family 46 member 1; minus strand). Cytogenetic location: 17q11.2.
Variant type: single nucleotide variant.
Coding change: c.1214C>T on transcript NM_080669.6 (MANE Select); coding-DNA position 1214, C replaced by T.
Protein change: p.Thr405Met; replaces threonine 405 with methionine.
Molecular consequence: missense variant. On other transcripts: 3 prime UTR variant (1).
Genome position (GRCh38, 1-based): chr17:28,400,718, G>A on the plus strand (C>T on the coding strand, the complement: SLC46A1 is on the minus strand). VCF-style: chr17-28400718-G-A. GRCh37 (hg19) VCF-style: chr17-26727735-G-A.
Other names: c.1130C>T, p.Thr377Met (NM_001242366.3); c.*4432G>A (NM_015077.4); short protein forms T377M, T405M.
Identifiers: ClinVar variation 1489802 (VCV001489802.4), dbSNP rs541069777, ClinGen allele CA8458184.